The following is an entry in ClinVar:

ClinVar aggregate classification (germline): Uncertain significance (1 of 4 stars; one submission).

Conditions:
Aortic valve disease 2 (AOVD2). Identifiers: MedGen C3542024, MONDO:0013902, OMIM 614823.

Submission:

Labcorp Genetics (formerly Invitae), Labcorp
Classification: Uncertain significance for Aortic valve disease 2. Last evaluated: 2025-06-12. Review status: criteria provided, single submitter. Criteria: Invitae Variant Classification Sherloc (09022015). Collection method: clinical testing. Allele origin: germline.
Comment: This variant, c.567_578del, results in the deletion of 4 amino acid(s) of the SMAD6 protein (p.Asp189_Leu192del), but otherwise preserves the integrity of the reading frame. This variant is not present in population databases (gnomAD no frequency). This variant has not been reported in the literature in individuals affected with SMAD6-related conditions. Experimental studies and prediction algorithms are not available or were not evaluated, and the functional significance of this variant is currently unknown. In summary, the available evidence is currently insufficient to determine the role of this variant in disease. Therefore, it has been classified as a Variant of Uncertain Significance.

NM_005585.5(SMAD6):c.567_578del (p.Asp189_Leu192del)

Gene: SMAD6 (SMAD family member 6; plus strand). Cytogenetic location: 15q22.31.
Variant type: Deletion.
Coding change: c.567_578del on transcript NM_005585.5 (MANE Select); coding-DNA positions 567 to 578, 12 bases deleted (CACGCTGCTGGA).
Protein change: p.Asp189_Leu192del.
Molecular consequence: inframe deletion. On other transcripts: non-coding transcript variant (1).
Genome position (GRCh38, 1-based): chr15:66,703,825-66,703,836, CACGCTGCTGGA deleted; deleting any 12 consecutive bases within chr15:66,703,819-66,703,836 gives the same sequence; the c. name uses the placement nearest the transcript's 3' end. VCF-style (leftmost placement, unchanged base first): chr15-66703818-CGCTGGACACGCT-C. GRCh37 (hg19) VCF-style: chr15-66996156-CGCTGGACACGCT-C.
Identifiers: ClinVar variation 4721352 (VCV004721352.1).
Genomic context (GRCh38, chr15:66,703,818, plus strand): 5'-TGCTGGAGCAGGAACTCAAAACCGTCACGTACTCGCTGCTGAAGCGGCTCAAGGAGCGCT[CGCTGGACACGCT>C]GCTGGAGGCGGTGGAGTCCCGCGGCGGCGTGCCGGGCGGCTGCGTGCTGGTGCCGCGCGC-3'